The following is an entry in ClinVar:

NM_002474.3(MYH11):c.5614-6C>G

Genes: MYH11 (myosin heavy chain 11; minus strand), NDE1 (nudE neurodevelopment protein 1; plus strand). Cytogenetic location: 16p13.11.
Variant type: single nucleotide variant.
Coding change: c.5614-6C>G on transcript NM_002474.3 (MANE Select); 6 bases into the intron before coding-DNA position 5614, C replaced by G.
Molecular consequence: intron variant.
Genome position (GRCh38, 1-based): chr16:15,715,087, G>C on the plus strand (C>G on the coding strand, the complement: MYH11 is on the minus strand). VCF-style: chr16-15715087-G-C. GRCh37 (hg19) VCF-style: chr16-15808944-G-C.
Other names: c.948-9104G>C (NM_001143979.2, NM_017668.3); c.5614-6C>G (NM_022844.3); c.5635-6C>G (NM_001040114.2, NM_001040113.2).
Identifiers: ClinVar variation 3070073 (VCV003070073.1), dbSNP rs200522079, ClinGen allele CA2575922558.

ClinVar aggregate classification (germline): Uncertain significance (1 of 4 stars; one submission).

Conditions:
Familial thoracic aortic aneurysm and aortic dissection (TAAD). Also called: Thoracic aortic aneurysms and dissections. Identifiers: Orphanet 91387, MedGen C4707243, MONDO:0019625.

Submission:

All of Us Research Program, National Institutes of Health
Classification: Uncertain significance for Familial thoracic aortic aneurysm and aortic dissection. Last evaluated: 2023-04-03. Review status: criteria provided, single submitter. Criteria: ACMG Guidelines, 2015. Collection method: clinical testing. Allele origin: germline. Inheritance: Autosomal dominant inheritance. Observed: 1 variant allele, 1 heterozygote.
Comment: This variant causes a C to G nucleotide substitution at the -6 position of intron 40 of the MYH11 gene. To our knowledge, functional studies have not been reported for this variant. This variant has not been reported in individuals affected with MYH11-related disorders in the literature. This variant has not been identified in the general population by the Genome Aggregation Database (gnomAD). The available evidence is insufficient to determine the role of this variant in disease conclusively. Therefore, this variant is classified as a Variant of Uncertain Significance.

This study involves interpretation of variants in research participants for the purpose of population health screening. Participant phenotype was not available at the time of variant classification. Additional details can be found in publication PMID: 35346344, PMCID: PMC8962531